The following is an entry in ClinVar:

NM_001082971.2(DDC):c.1277G>A (p.Arg426Lys)

Gene: DDC (dopa decarboxylase; minus strand). Cytogenetic location: 7p12.2.
Variant type: single nucleotide variant.
Coding change: c.1277G>A on transcript NM_001082971.2 (MANE Select); coding-DNA position 1277, G replaced by A.
Protein change: p.Arg426Lys; replaces arginine 426 with lysine.
Molecular consequence: missense variant.
Genome position (GRCh38, 1-based): chr7:50,463,397, C>T on the plus strand (G>A on the coding strand, the complement: DDC is on the minus strand). VCF-style: chr7-50463397-C-T. GRCh37 (hg19) VCF-style: chr7-50531095-C-T.
Other names: c.1277G>A, p.Arg426Lys (NM_000790.4); c.1163G>A, p.Arg388Lys (NM_001242886.2); c.1133G>A, p.Arg378Lys (NM_001242887.2); c.1043G>A, p.Arg348Lys (NM_001242888.2); c.998G>A, p.Arg333Lys (NM_001242889.2); short protein forms R426K, R388K, R333K, R348K, R378K.
Identifiers: ClinVar variation 3080714 (VCV003080714.3), dbSNP rs958485576, ClinGen allele CA158221648.

ClinVar aggregate classification (germline): Uncertain significance. Review status: criteria provided, multiple submitters, no conflicts (2 of 4 stars). 2 submissions from 2 submitters: Uncertain significance (2). Last evaluated 2026-06-30.

Conditions:
Inborn genetic diseases. Identifiers: MedGen C0950123, MeSH D030342.

Allele frequency attached by ClinVar (database versions not stated): gnomAD exomes below 0.00001; TOPMed below 0.00001; gnomAD 0.00001.

Submissions (2):

GeneDx
Classification: Uncertain significance. Last evaluated: 2026-06-30. Review status: criteria provided, single submitter. Criteria: GeneDx Variant Classification Process June 2021. Collection method: clinical testing. Allele origin: germline.
Comment: Not observed at significant frequency in large population cohorts (gnomAD); In silico analysis suggests that this missense variant does not alter protein structure/function; Has not been previously published as pathogenic or benign to our knowledge

Ambry Genetics
Classification: Uncertain significance for Inborn genetic diseases. Last evaluated: 2021-10-12. Review status: criteria provided, single submitter. Criteria: Ambry Variant Classification Scheme 2023. Collection method: clinical testing. Allele origin: germline.